The following is an entry in ClinVar:

ClinVar aggregate classification (germline): Uncertain significance (1 of 4 stars; one submission).

Conditions:
Inborn genetic diseases. Identifiers: MedGen C0950123, MeSH D030342.

Allele frequency attached by ClinVar (database versions not stated): gnomAD 0.00001; TOPMed 0.00002; gnomAD exomes 0.00003; ExAC 0.00005.
gnomAD v4.1: 41 of 1,613,988 alleles (0.0025%); highest among the groups gnomAD compares: South Asian, 0.0055%; no homozygotes.

Submission:

Ambry Genetics
Classification: Uncertain significance for Inborn genetic diseases. Last evaluated: 2021-04-20. Review status: criteria provided, single submitter. Criteria: Ambry Variant Classification Scheme 2023. Collection method: clinical testing. Allele origin: germline.
Comment: The c.5418T>A (p.H1806Q) alteration is located in exon 36 (coding exon 36) of the MED12L gene. This alteration results from a T to A substitution at nucleotide position 5418, causing the histidine (H) at amino acid position 1806 to be replaced by a glutamine (Q). The p.H1806Q alteration is predicted to be tolerated by in silico analysis. Based on insufficient or conflicting evidence, the clinical significance of this alteration remains unclear.

NM_001393769.1(MED12L):c.5523T>A (p.His1841Gln)

Gene: MED12L (mediator complex subunit 12L; plus strand). Cytogenetic location: 3q25.1.
Variant type: single nucleotide variant.
Coding change: c.5523T>A on transcript NM_001393769.1 (MANE Select); coding-DNA position 5523, T replaced by A.
Protein change: p.His1841Gln; replaces histidine 1841 with glutamine.
Molecular consequence: missense variant.
Genome position (GRCh38, 1-based): chr3:151,390,050, T>A. VCF-style: chr3-151390050-T-A. GRCh37 (hg19) VCF-style: chr3-151107838-T-A.
Other names: c.5418T>A, p.His1806Gln (NM_053002.6); short protein forms H1841Q, H1806Q.
Identifiers: ClinVar variation 2390328 (VCV002390328.2), dbSNP rs748672058, ClinGen allele CA2668805.